The following is an entry in ClinVar:

ClinVar aggregate classification (germline): Uncertain significance (1 of 4 stars; one submission).

Conditions:
Hereditary spastic paraplegia 30. Identifiers: Orphanet 101010, MedGen C5235139, MONDO:0012476.
Neuropathy, hereditary sensory, type 2C. Also called: KIF1A-Related HSAN2 (HSAN2C); Hereditary sensory and autonomic neuropathy type IIC. Identifiers: Orphanet 970, MedGen C3280168, MONDO:0013634, OMIM 614213.
Intellectual disability, autosomal dominant 9 (NESCAVS). Also called: KIF1A-Related Neurodevelopmental Disorder; NESCAV SYNDROME. Identifiers: Orphanet 662367, MedGen C5393830, MONDO:0013656, OMIM 614255.

Submission:

Labcorp Genetics (formerly Invitae), Labcorp
Classification: Uncertain significance for Hereditary spastic paraplegia 30; Neuropathy, hereditary sensory, type 2C; Intellectual disability, autosomal dominant 9. Last evaluated: 2021-06-07. Review status: criteria provided, single submitter. Criteria: Invitae Variant Classification Sherloc (09022015). Collection method: clinical testing. Allele origin: germline.
Comment: In summary, the available evidence is currently insufficient to determine the role of this variant in disease. Therefore, it has been classified as a Variant of Uncertain Significance. Algorithms developed to predict the effect of missense changes on protein structure and function are either unavailable or do not agree on the potential impact of this missense change (SIFT: "Deleterious"; PolyPhen-2: "Benign"; Align-GVGD: "Class C15"). This variant has not been reported in the literature in individuals with KIF1A-related conditions. This variant is present in population databases (rs770764947, ExAC 0.008%). This sequence change replaces arginine with leucine at codon 1101 of the KIF1A protein (p.Arg1101Leu). The arginine residue is highly conserved and there is a moderate physicochemical difference between arginine and leucine.

NM_001244008.2(KIF1A):c.3605G>T (p.Arg1202Leu)

Gene: KIF1A (kinesin family member 1A; minus strand). Cytogenetic location: 2q37.3.
Variant type: single nucleotide variant.
Coding change: c.3605G>T on transcript NM_001244008.2 (MANE Select); coding-DNA position 3605, G replaced by T.
Protein change: p.Arg1202Leu; replaces arginine 1202 with leucine.
Molecular consequence: missense variant.
Genome position (GRCh38, 1-based): chr2:240,742,964, C>A on the plus strand (G>T on the coding strand, the complement: KIF1A is on the minus strand). VCF-style: chr2-240742964-C-A. GRCh37 (hg19) VCF-style: chr2-241682381-C-A.
Other names: c.3329G>T, p.Arg1110Leu (NM_001320705.2, NM_001330289.2, NM_001379638.1); c.3404G>T, p.Arg1135Leu (NM_001330290.2, NM_001379634.1, NM_001379635.1 and 1 more transcripts); c.3680G>T, p.Arg1227Leu (NM_001379631.1); c.3554G>T, p.Arg1185Leu (NM_001379632.1); c.3578G>T, p.Arg1193Leu (NM_001379633.1, NM_001379642.1, NM_001379645.1); c.3302G>T, p.Arg1101Leu (NM_001379636.1, NM_001379639.1, NM_001379641.1 and 5 more transcripts); c.3377G>T, p.Arg1126Leu (NM_001379637.1, NM_001379648.1); c.3299G>T, p.Arg1100Leu (NM_001379640.1); short protein forms R1126L, R1202L, R1101L, R1110L, R1135L, R1185L, R1100L, R1227L.
Identifiers: ClinVar variation 1462696 (VCV001462696.8), dbSNP rs770764947, ClinGen allele CA2207734.
Genomic context (GRCh38, chr2:240,742,964, plus strand): 5'-AGACGGCTCCAGAGACCCTTCCTACCTGGCTTGGACAGTGGCATGACCCGAGGGAAGTGG[C>A]GGCGCGAGGGCCTCAGGGGGCTGTGGAGAAAGGACCAGTGTGAGGTGTTTGCGGGACCCT-3'
Protein context (NP_001230937.1, residues 1192-1212): DVLSPLRPSR[Arg1202Leu]HFPRVMPLSK